The following is an entry in ClinVar:

NM_001160331.2(NFASC):c.2593G>A (p.Val865Ile)

Gene: NFASC (neurofascin; plus strand). Cytogenetic location: 1q32.1.
Variant type: single nucleotide variant.
Coding change: c.2593G>A on transcript NM_001160331.2 (MANE Plus Clinical); coding-DNA position 2593, G replaced by A.
Protein change: p.Val865Ile; replaces valine 865 with isoleucine.
Molecular consequence: missense variant. On other transcripts: intron variant (2).
Genome position (GRCh38, 1-based): chr1:204,984,116, G>A. VCF-style: chr1-204984116-G-A. GRCh37 (hg19) VCF-style: chr1-204953244-G-A.
Other names: c.2548G>A, p.Val850Ile (NM_001160332.2, NM_015090.4); c.2560G>A, p.Val854Ile (NM_001378329.1); c.2470+2096G>A (NM_001005388.3); c.2458+2096G>A (NM_001365986.1); short protein forms V850I, V854I, V865I.
Identifiers: ClinVar variation 2502460 (VCV002502460.1), dbSNP rs2548723275, ClinGen allele CA344397545.

ClinVar aggregate classification (germline): Uncertain significance (1 of 4 stars; one submission).

Submission:

GeneDx
Classification: Uncertain significance. Last evaluated: 2022-11-16. Review status: criteria provided, single submitter. Criteria: GeneDx Variant Classification Process June 2021. Collection method: clinical testing. Allele origin: germline. Affected: yes.
Comment: Not observed at significant frequency in large population cohorts (gnomAD); In silico analysis supports that this missense variant does not alter protein structure/function; Has not been previously published as pathogenic or benign to our knowledge